The following is an entry in ClinVar:

ClinVar aggregate classification (germline): Likely benign (0 of 4 stars; one submission).

Conditions:
SPRY2-related disorder. Also called: SPRY2-related condition.

Allele frequency attached by ClinVar (database versions not stated): gnomAD 0.00001; TOPMed 0.00001; ExAC 0.00002; gnomAD exomes 0.00002.

Submission:

PreventionGenetics, part of Exact Sciences
Classification: Likely benign for SPRY2-related condition. Last evaluated: 2023-01-31. Review status: no assertion criteria provided. Collection method: clinical testing. Allele origin: germline.
Comment: This variant is classified as likely benign based on ACMG/AMP sequence variant interpretation guidelines (Richards et al. 2015 PMID: 25741868, with internal and published modifications).

NM_005842.4(SPRY2):c.870T>C (p.Gly290=)

Gene: SPRY2 (sprouty RTK signaling antagonist 2; minus strand). Cytogenetic location: 13q31.1.
Variant type: single nucleotide variant.
Coding change: c.870T>C on transcript NM_005842.4 (MANE Select); coding-DNA position 870, T replaced by C.
Protein change: p.Gly290=; no amino-acid change (glycine 290 retained).
Molecular consequence: synonymous variant.
Genome position (GRCh38, 1-based): chr13:80,336,836, A>G on the plus strand (T>C on the coding strand, the complement: SPRY2 is on the minus strand). VCF-style: chr13-80336836-A-G. GRCh37 (hg19) VCF-style: chr13-80910971-A-G.
Other names: c.870T>C, p.Gly290= (NM_001318536.1, NM_001318537.1, NM_001318538.1).
Identifiers: ClinVar variation 3029049 (VCV003029049.2), dbSNP rs756535212, ClinGen allele CA7014355.